The following is an entry in ClinVar:

ClinVar aggregate classification (germline): Uncertain significance. Review status: criteria provided, multiple submitters, no conflicts (2 of 4 stars). 2 submissions from 2 submitters: Uncertain significance (2). Last evaluated 2024-12-19.

Conditions:
Hereditary cancer-predisposing syndrome. Also called: Neoplastic Syndromes, Hereditary; Tumor predisposition; Hereditary Cancer Syndrome; Hereditary neoplastic syndrome. Identifiers: Orphanet 140162, MedGen C0027672, MeSH D009386, MONDO:0015356.
EGFR-related lung cancer (EGFR). Identifiers: MedGen CN130014.

Allele frequency attached by ClinVar (database versions not stated): TOPMed below 0.00001.
gnomAD v4.1: 10 of 1,614,126 alleles (0.00062%); highest among the groups gnomAD compares: Non-Finnish European, 0.00085%; no homozygotes.

Submissions (2):

Ambry Genetics
Classification: Uncertain significance for Hereditary cancer-predisposing syndrome. Last evaluated: 2024-12-19. Review status: criteria provided, single submitter. Criteria: Ambry Variant Classification Scheme 2023. Collection method: clinical testing. Allele origin: germline.
Comment: The p.L448F variant (also known as c.1344G>C), located in coding exon 12 of the EGFR gene, results from a G to C substitution at nucleotide position 1344. The leucine at codon 448 is replaced by phenylalanine, an amino acid with highly similar properties. This amino acid position is highly conserved in available vertebrate species. In addition, this alteration is predicted to be deleterious by in silico analysis. Based on the available evidence, the clinical significance of this variant remains unclear.

Labcorp Genetics (formerly Invitae), Labcorp
Classification: Uncertain significance for EGFR-related lung cancer. Last evaluated: 2024-03-01. Review status: criteria provided, single submitter. Criteria: Invitae Variant Classification Sherloc (09022015). Collection method: clinical testing. Allele origin: germline.
Comment: This sequence change replaces leucine, which is neutral and non-polar, with phenylalanine, which is neutral and non-polar, at codon 448 of the EGFR protein (p.Leu448Phe). This variant is present in population databases (rs763266323, gnomAD 0.002%). This variant has not been reported in the literature in individuals affected with EGFR-related conditions. ClinVar contains an entry for this variant (Variation ID: 998753). Advanced modeling of protein sequence and biophysical properties (such as structural, functional, and spatial information, amino acid conservation, physicochemical variation, residue mobility, and thermodynamic stability) has been performed at Invitae for this missense variant, however the output from this modeling did not meet the statistical confidence thresholds required to predict the impact of this variant on EGFR protein function. In summary, the available evidence is currently insufficient to determine the role of this variant in disease. Therefore, it has been classified as a Variant of Uncertain Significance.

NM_005228.5(EGFR):c.1344G>C (p.Leu448Phe)

Gene: EGFR (epidermal growth factor receptor; plus strand). Cytogenetic location: 7p11.2.
Variant type: single nucleotide variant.
Coding change: c.1344G>C on transcript NM_005228.5 (MANE Select); coding-DNA position 1344, G replaced by C.
Protein change: p.Leu448Phe; replaces leucine 448 with phenylalanine.
Molecular consequence: missense variant.
Genome position (GRCh38, 1-based): chr7:55,160,184, G>C. VCF-style: chr7-55160184-G-C. GRCh37 (hg19) VCF-style: chr7-55227877-G-C.
Other names: c.1209G>C, p.Leu403Phe (NM_001346897.2, NM_001346899.2); c.1344G>C, p.Leu448Phe (NM_001346898.2, NM_201282.2, NM_201284.2); c.1185G>C, p.Leu395Phe (NM_001346900.2); c.543G>C, p.Leu181Phe (NM_001346941.2); c.1344G>C (NM_005228.3); short protein forms L181F, L395F, L403F, L448F.
Identifiers: ClinVar variation 998753 (VCV000998753.10), dbSNP rs763266323, ClinGen allele CA4265562.